The following is an entry in ClinVar:

NM_001378457.1(DMXL2):c.2418G>T (p.Leu806Phe)

Gene: DMXL2 (Dmx like 2; minus strand). Cytogenetic location: 15q21.2.
Variant type: single nucleotide variant.
Coding change: c.2418G>T on transcript NM_001378457.1 (MANE Select); coding-DNA position 2418, G replaced by T.
Protein change: p.Leu806Phe; replaces leucine 806 with phenylalanine.
Molecular consequence: missense variant. On other transcripts: non-coding transcript variant (2).
Genome position (GRCh38, 1-based): chr15:51,535,681, C>A on the plus strand (G>T on the coding strand, the complement: DMXL2 is on the minus strand). VCF-style: chr15-51535681-C-A. GRCh37 (hg19) VCF-style: chr15-51827878-C-A.
Other names: c.2418G>T (NM_001174116.1); c.2418G>T, p.Leu806Phe (NM_001174116.3, NM_001174117.3, NM_001378458.1 and 6 more transcripts); c.2178G>T, p.Leu726Phe (NM_001378464.1); short protein forms L726F, L806F.
Identifiers: ClinVar variation 1906506 (VCV001906506.5), dbSNP rs776458523, ClinGen allele CA392441929.

ClinVar aggregate classification (germline): Uncertain significance. Review status: criteria provided, multiple submitters, no conflicts (2 of 4 stars). 2 submissions from 2 submitters: Uncertain significance (2). Last evaluated 2025-03-22.

Conditions:
Inborn genetic diseases. Identifiers: MedGen C0950123, MeSH D030342.

gnomAD v4.1: 5 of 1,601,584 alleles (0.00031%); highest among the groups gnomAD compares: Admixed American, 0.0087%; no homozygotes.

Submissions (2):

Ambry Genetics
Classification: Uncertain significance for Inborn genetic diseases. Last evaluated: 2025-03-22. Review status: criteria provided, single submitter. Criteria: Ambry Variant Classification Scheme 2023. Collection method: clinical testing. Allele origin: germline.

Labcorp Genetics (formerly Invitae), Labcorp
Classification: Uncertain significance. Last evaluated: 2024-05-31. Review status: criteria provided, single submitter. Criteria: Invitae Variant Classification Sherloc (09022015). Collection method: clinical testing. Allele origin: germline.
Comment: This sequence change replaces leucine, which is neutral and non-polar, with phenylalanine, which is neutral and non-polar, at codon 806 of the DMXL2 protein (p.Leu806Phe). This variant is present in population databases (no rsID available, gnomAD 0.02%). This variant has not been reported in the literature in individuals affected with DMXL2-related conditions. ClinVar contains an entry for this variant (Variation ID: 1906506). An algorithm developed to predict the effect of missense changes on protein structure and function (PolyPhen-2) suggests that this variant is likely to be disruptive. In summary, the available evidence is currently insufficient to determine the role of this variant in disease. Therefore, it has been classified as a Variant of Uncertain Significance.